The following is an entry in ClinVar:

ClinVar aggregate classification (germline): Uncertain significance (1 of 4 stars; one submission).

Conditions:
Developmental and epileptic encephalopathy, 30 (DEE30). Also called: Epileptic encephalopathy, early infantile, 30. Identifiers: MedGen C4225360, MONDO:0014595, OMIM 616341.

Allele frequency attached by ClinVar (database versions not stated): ExAC 0.00008.

Submission:

Labcorp Genetics (formerly Invitae), Labcorp
Classification: Uncertain significance for Developmental and epileptic encephalopathy, 30. Last evaluated: 2024-03-05. Review status: criteria provided, single submitter. Criteria: Invitae Variant Classification Sherloc (09022015). Collection method: clinical testing. Allele origin: germline.
Comment: This sequence change replaces leucine, which is neutral and non-polar, with isoleucine, which is neutral and non-polar, at codon 484 of the SIK1 protein (p.Leu484Ile). This variant is present in population databases (rs757191457, gnomAD 0.004%). This variant has not been reported in the literature in individuals affected with SIK1-related conditions. ClinVar contains an entry for this variant (Variation ID: 1055194). Advanced modeling of protein sequence and biophysical properties (such as structural, functional, and spatial information, amino acid conservation, physicochemical variation, residue mobility, and thermodynamic stability) performed at Invitae indicates that this missense variant is not expected to disrupt SIK1 protein function with a negative predictive value of 95%. In summary, the available evidence is currently insufficient to determine the role of this variant in disease. Therefore, it has been classified as a Variant of Uncertain Significance.

NM_173354.5(SIK1):c.1450C>A (p.Leu484Ile)

Gene: SIK1 (salt inducible kinase 1; minus strand). Cytogenetic location: 21q22.3.
Variant type: single nucleotide variant.
Coding change: c.1450C>A on transcript NM_173354.5 (MANE Select); coding-DNA position 1450, C replaced by A.
Protein change: p.Leu484Ile; replaces leucine 484 with isoleucine.
Molecular consequence: missense variant.
Genome position (GRCh38, 1-based): chr21:43,419,033, G>T on the plus strand (C>A on the coding strand, the complement: SIK1 is on the minus strand). VCF-style: chr21-43419033-G-T. GRCh37 (hg19) VCF-style: chr21-44838913-G-T.
Other names: short protein forms L484I.
Identifiers: ClinVar variation 1055194 (VCV001055194.9), dbSNP rs757191457, ClinGen allele CA321325811.